The following is an entry in ClinVar:

NM_024996.7(GFM1):c.114_115del (p.Val40fs)

Gene: GFM1 (G elongation factor mitochondrial 1; plus strand). Cytogenetic location: 3q25.32.
Variant type: Deletion.
Coding change: c.114_115del on transcript NM_024996.7 (MANE Select); coding-DNA positions 114 to 115, 2 bases deleted (AG; older notation c.114_115delAG).
Protein change: p.Val40fs; shifts the reading frame from valine 40.
Molecular consequence: frameshift variant. On other transcripts: 5 prime UTR variant (4), non-coding transcript variant (4).
Genome position (GRCh38, 1-based): chr3:158,645,661-158,645,662, AG deleted. VCF-style (leftmost placement, unchanged base first): chr3-158645660-CAG-C. GRCh37 (hg19) VCF-style: chr3-158363449-CAG-C.
Other names: c.114_115delAG (NM_024996.5); c.114_115del, p.Val40fs (NM_001308164.2, NM_001308166.2, NM_001374355.1 and 2 more transcripts); c.-112_-111del (NM_001374357.1); c.-116_-115del (NM_001374359.1, NM_001374360.1, NM_001374361.1); short protein forms V40fs.
Identifiers: ClinVar variation 2675909 (VCV002675909.6), dbSNP rs766878293, ClinGen allele CA2682226.

ClinVar aggregate classification (germline): Pathogenic/Likely pathogenic. Review status: criteria provided, multiple submitters, no conflicts (2 of 4 stars). 3 submissions from 3 submitters: Pathogenic (1); Likely pathogenic (2). Last evaluated 2025-04-09.

Conditions:
Hepatoencephalopathy due to combined oxidative phosphorylation defect type 1. Also called: HEPATOENCEPHALOPATHY, EARLY FATAL PROGRESSIVE. Identifiers: Orphanet 137681, MedGen C1836797, MONDO:0012191, OMIM 609060.

Allele frequency attached by ClinVar (database versions not stated): ExAC 0.00001.

Submissions (3):

Natera, Inc.
Classification: Likely pathogenic for Combined oxidative phosphorylation deficiency 1. Last evaluated: 2025-04-09. Review status: criteria provided, single submitter. Criteria: Natera Variant Classification Schema (03/2026). Collection method: clinical testing. Allele origin: germline.
Comment: The c.114_115delAG variant in GFM1 is a frameshift variant predicted to shift the reading frame beginning at codon 40 and leads to a stop codon 3 codons downstream. This variant is expected to result in nonsense mediated decay, truncation, or a dysfunctional protein product. This variant is rare in the general population with a frequency below the threshold expected for the associated phenotype(s). Given the available evidence, this variant is classified as Likely Pathogenic.

Labcorp Genetics (formerly Invitae), Labcorp
Classification: Pathogenic. Last evaluated: 2024-01-24. Review status: criteria provided, single submitter. Criteria: Invitae Variant Classification Sherloc (09022015). Collection method: clinical testing. Allele origin: germline.
Comment: This sequence change creates a premature translational stop signal (p.Val40Aspfs*3) in the GFM1 gene. It is expected to result in an absent or disrupted protein product. Loss-of-function variants in GFM1 are known to be pathogenic (PMID: 16632485, 17160893). This variant is present in population databases (rs766878293, gnomAD 0.01%). This variant has not been reported in the literature in individuals affected with GFM1-related conditions. For these reasons, this variant has been classified as Pathogenic.

Baylor Genetics
Classification: Likely pathogenic for Hepatoencephalopathy due to combined oxidative phosphorylation defect type 1. Last evaluated: 2024-01-06. Review status: criteria provided, single submitter. Criteria: ACMG Guidelines, 2015. Collection method: clinical testing. Allele origin: unknown.

Literature cited by the submitters: PubMed 16632485 (cited by Labcorp Genetics (formerly Invitae), Labcorp); PubMed 17160893 (cited by Labcorp Genetics (formerly Invitae), Labcorp).